The following is an entry in ClinVar:

ClinVar aggregate classification (germline): Conflicting classifications of pathogenicity. Review status: criteria provided, conflicting classifications (1 of 4 stars). 5 submissions from 5 submitters: Uncertain significance (4); Likely benign (1). Last evaluated 2026-04-01.

Allele frequency attached by ClinVar (database versions not stated): ExAC below 0.00001; 1000 Genomes Project 30x 0.00062; TOPMed 0.00077; gnomAD exomes 0.00082; gnomAD 0.00089 and 0.00091.
gnomAD v4.1: 920 of 1,126,728 alleles (0.082%); highest among the groups gnomAD compares: Non-Finnish European, 0.088%; no homozygotes.

Submissions (5):

Women's Health and Genetics/Laboratory Corporation of America, LabCorp
Classification: Uncertain significance. Last evaluated: 2026-04-01. Review status: criteria provided, single submitter. Criteria: LabCorp Variant Classification Summary - May 2015. Collection method: clinical testing. Allele origin: germline.
Comment: Variant summary: OTULIN c.119A>G (p.Gln40Arg) results in a conservative amino acid change in the encoded protein sequence. Algorithms developed to predict the effect of missense changes on protein structure and function all suggest that this variant is likely to be tolerated. The variant allele was found at a frequency of 0.0013 in 28690 control chromosomes, predominantly at a frequency of 0.0013 within the &pop_max_pop& subpopulation in the gnomAD database. The available data on variant occurrences in the general population are insufficient to allow any conclusion about variant significance. c.119A>G has been observed in a genetic testing setting screening for OTULIN gene mutation with targeted next generation sequencing in Turkish populations without clinical information (Gezgin_2022). These report(s) do not provide unequivocal conclusions about association of the variant with Infantile-onset periodic fever-panniculitis-dermatosis syndrome. To our knowledge, no experimental evidence demonstrating an impact on protein function has been reported. The following publication have been ascertained in the context of this evaluation (PMID: 35294702). ClinVar contains an entry for this variant (Variation ID: 871185). Based on the evidence outlined above, the variant was classified as uncertain significance.

Labcorp Genetics (formerly Invitae), Labcorp
Classification: Likely benign. Last evaluated: 2026-01-27. Review status: criteria provided, single submitter. Criteria: Invitae Variant Classification Sherloc (09022015). Collection method: clinical testing. Allele origin: germline.

Mayo Clinic Laboratories, Mayo Clinic
Classification: Uncertain significance. Last evaluated: 2025-07-29. Review status: criteria provided, single submitter. Criteria: ACMG Guidelines, 2015. Collection method: clinical testing. Allele origin: germline. Observed: 1 variant allele.
Comment: BP4_moderate

Blueprint Genetics
Classification: Uncertain significance. Last evaluated: 2024-11-22. Review status: criteria provided, single submitter. Criteria: ACMG Guidelines, 2015. Collection method: clinical testing. Allele origin: germline.

CeGaT Center for Human Genetics Tuebingen
Classification: Uncertain significance. Last evaluated: 2024-06-01. Review status: criteria provided, single submitter. Criteria: CeGaT Center For Human Genetics Tuebingen Variant Classification Criteria Version 2. Collection method: clinical testing. Allele origin: germline. Affected: yes. Observed: 4 variant alleles.

Literature cited by the submitters: PubMed 35294702 (cited by Women's Health and Genetics/Laboratory Corporation of America, LabCorp).

NM_138348.6(OTULIN):c.119A>G (p.Gln40Arg)

Gene: OTULIN (OTU deubiquitinase with linear linkage specificity; plus strand). Cytogenetic location: 5p15.2.
Variant type: single nucleotide variant.
Coding change: c.119A>G on transcript NM_138348.6 (MANE Select); coding-DNA position 119, A replaced by G.
Protein change: p.Gln40Arg; replaces glutamine 40 with arginine.
Molecular consequence: missense variant.
Genome position (GRCh38, 1-based): chr5:14,664,944, A>G. VCF-style: chr5-14664944-A-G. GRCh37 (hg19) VCF-style: chr5-14665053-A-G.
Other names: p.Gln40Arg; short protein forms Q40R.
Identifiers: ClinVar variation 871185 (VCV000871185.51), dbSNP rs750815369, ClinGen allele CA3208508.